The following is an entry in ClinVar:

NM_000282.4(PCCA):c.522G>A (p.Met174Ile)

Gene: PCCA (propionyl-CoA carboxylase subunit alpha; plus strand). Cytogenetic location: 13q32.3.
Variant type: single nucleotide variant.
Coding change: c.522G>A on transcript NM_000282.4 (MANE Select); coding-DNA position 522, G replaced by A.
Protein change: p.Met174Ile; replaces methionine 174 with isoleucine.
Molecular consequence: missense variant. On other transcripts: 5 prime UTR variant (3), non-coding transcript variant (5).
Genome position (GRCh38, 1-based): chr13:100,209,385, G>A. VCF-style: chr13-100209385-G-A. GRCh37 (hg19) VCF-style: chr13-100861639-G-A.
Other names: c.444G>A, p.Met148Ile (NM_001127692.3, NM_001352607.2, NM_001352608.2); c.522G>A, p.Met174Ile (NM_001178004.2, NM_001352605.2, NM_001352606.2 and 1 more transcripts); c.-345G>A (NM_001352610.2, NM_001352611.2, NM_001352612.2); short protein forms M174I, M148I.
Identifiers: ClinVar variation 310844 (VCV000310844.15), dbSNP rs780406346, ClinGen allele CA7033259.

ClinVar aggregate classification (germline): Uncertain significance. Review status: criteria provided, multiple submitters, no conflicts (2 of 4 stars). 9 submissions from 9 submitters: Uncertain significance (8). 1 of the submissions does not count toward it. Last evaluated 2025-07-02.

Conditions:
Propionic acidemia (PROP). Also called: GLYCINEMIA, KETOTIC; HYPERGLYCINEMIA WITH KETOACIDOSIS AND LEUKOPENIA; KETOTIC HYPERGLYCINEMIA. Identifiers: Orphanet 35, MedGen C0268579, MONDO:0011628, OMIM 606054, HP:0003571.
Inborn genetic diseases. Identifiers: MedGen C0950123, MeSH D030342.

Allele frequency attached by ClinVar (database versions not stated): gnomAD 0.00001; TOPMed 0.00002; ExAC 0.00004; gnomAD exomes 0.00004 and 0.00005.

Submissions (9):

ARUP Laboratories, Molecular Genetics and Genomics, ARUP Laboratories
Classification: Uncertain significance for Propionic acidemia. Last evaluated: 2025-07-02. Review status: criteria provided, single submitter. Criteria: ARUP Molecular Germline Variant Investigation Process 2024. Collection method: clinical testing. Allele origin: germline.
Comment: The PCCA c.522G>A; p.Met174Ile variant (rs780406346, ClinVar Variation ID: 310844) is reported in one individual with dilated cardiomyopathy (Temena 2025). This variant is found in the non-Finnish European population with an allele frequency of 0.009% (11/129,100 alleles) in the Genome Aggregation Database (v2.1.1). Computational analyses predict that this variant is deleterious (REVEL: 0.921). Due to limited information, the clinical significance of this variant is uncertain at this time. References: Temena MA et al. Investigating the dual role of mitochondrial and nuclear genome variants in pediatric cardiomyopathies. Sci Rep. 2025 May 14;15(1):16678. PMID: 40369053.

Labcorp Genetics (formerly Invitae), Labcorp
Classification: Uncertain significance for Propionic acidemia. Last evaluated: 2024-12-18. Review status: criteria provided, single submitter. Criteria: Invitae Variant Classification Sherloc (09022015). Collection method: clinical testing. Allele origin: germline.
Comment: This sequence change replaces methionine, which is neutral and non-polar, with isoleucine, which is neutral and non-polar, at codon 174 of the PCCA protein (p.Met174Ile). This variant is present in population databases (rs780406346, gnomAD 0.007%). This variant has not been reported in the literature in individuals affected with PCCA-related conditions. ClinVar contains an entry for this variant (Variation ID: 310844). Invitae Evidence Modeling of protein sequence and biophysical properties (such as structural, functional, and spatial information, amino acid conservation, physicochemical variation, residue mobility, and thermodynamic stability) has been performed for this missense variant. However, the output from this modeling did not meet the statistical confidence thresholds required to predict the impact of this variant on PCCA protein function. In summary, the available evidence is currently insufficient to determine the role of this variant in disease. Therefore, it has been classified as a Variant of Uncertain Significance.

Revvity Omics, Revvity
Classification: Uncertain significance for Propionic acidemia. Last evaluated: 2024-08-27. Review status: criteria provided, single submitter. Criteria: ACMG Guidelines, 2015. Collection method: clinical testing. Allele origin: germline.

GeneDx
Classification: Uncertain significance. Last evaluated: 2024-08-13. Review status: criteria provided, single submitter. Criteria: GeneDx Variant Classification Process June 2021. Collection method: clinical testing. Allele origin: germline. Affected: yes.
Comment: Not observed at significant frequency in large population cohorts (gnomAD); In silico analysis supports that this missense variant has a deleterious effect on protein structure/function; Has not been previously published as pathogenic or benign to our knowledge; This variant is associated with the following publications: (PMID: Temena2023[article])

Genomic Medicine Center of Excellence, King Faisal Specialist Hospital and Research Centre
Classification: Uncertain significance for Propionic acidemia. Last evaluated: 2024-03-29. Review status: criteria provided, single submitter. Criteria: ACMG Guidelines, 2015. Collection method: clinical testing. Allele origin: germline.

Ambry Genetics
Classification: Uncertain significance for Inborn genetic diseases. Last evaluated: 2021-03-19. Review status: criteria provided, single submitter. Criteria: Ambry Variant Classification Scheme 2023. Collection method: clinical testing. Allele origin: germline.
Comment: The c.522G>A (p.M174I) alteration is located in exon 7 (coding exon 7) of the PCCA gene. This alteration results from a G to A substitution at nucleotide position 522, causing the methionine (M) at amino acid position 174 to be replaced by an isoleucine (I). The in silico prediction for the p.M174I alteration is inconclusive. Based on insufficient or conflicting evidence, the clinical significance of this alteration remains unclear.

Illumina Laboratory Services, Illumina
Classification: Uncertain significance for Propionic acidemia. Last evaluated: 2018-01-12. Review status: criteria provided, single submitter. Criteria: ICSL Variant Classification Criteria 13 December 2019. Collection method: clinical testing. Allele origin: germline.

Breakthrough Genomics
Classification: Uncertain significance. Review status: criteria provided, single submitter. Criteria: ACMG Guidelines, 2015. Collection method: not provided. Allele origin: germline. Inheritance: Autosomal recessive inheritance. Affected: yes.

Natera, Inc.
Classification: Uncertain significance for Propionic acidemia. Last evaluated: 2020-09-16. Review status: no assertion criteria provided. Collection method: clinical testing. Allele origin: germline. Not counted in ClinVar's aggregate classification.